The following is an entry in ClinVar:

ClinVar aggregate classification (germline): Uncertain significance (1 of 4 stars; one submission).

Conditions:
DOCK2 deficiency. Also called: Immunodeficiency 40. Identifiers: Orphanet 447737, MedGen C4225328, MONDO:0014637, OMIM 616433.

Allele frequency attached by ClinVar (database versions not stated): ExAC 0.00001.
gnomAD v4.1: 1 of 1,613,380 alleles (0.000062%); highest among the groups gnomAD compares: East Asian, 0.0022%; no homozygotes.

Submission:

Labcorp Genetics (formerly Invitae), Labcorp
Classification: Uncertain significance for DOCK2 deficiency. Last evaluated: 2022-06-17. Review status: criteria provided, single submitter. Criteria: Invitae Variant Classification Sherloc (09022015). Collection method: clinical testing. Allele origin: germline.
Comment: This variant has not been reported in the literature in individuals affected with DOCK2-related conditions. In summary, the available evidence is currently insufficient to determine the role of this variant in disease. Therefore, it has been classified as a Variant of Uncertain Significance. Algorithms developed to predict the effect of missense changes on protein structure and function (SIFT, PolyPhen-2, Align-GVGD) all suggest that this variant is likely to be tolerated. This variant is present in population databases (rs752968198, gnomAD 0.006%). This sequence change replaces threonine, which is neutral and polar, with asparagine, which is neutral and polar, at codon 1657 of the DOCK2 protein (p.Thr1657Asn).

NM_004946.3(DOCK2):c.4970C>A (p.Thr1657Asn)

Gene: DOCK2 (dedicator of cytokinesis 2; plus strand). Cytogenetic location: 5q35.1.
Variant type: single nucleotide variant.
Coding change: c.4970C>A on transcript NM_004946.3 (MANE Select); coding-DNA position 4970, C replaced by A.
Protein change: p.Thr1657Asn; replaces threonine 1657 with asparagine.
Molecular consequence: missense variant. On other transcripts: non-coding transcript variant (1).
Genome position (GRCh38, 1-based): chr5:170,077,813, C>A. VCF-style: chr5-170077813-C-A. GRCh37 (hg19) VCF-style: chr5-169504817-C-A.
Other names: short protein forms T1657N.
Identifiers: ClinVar variation 2072231 (VCV002072231.4), dbSNP rs752968198, ClinGen allele CA3554708.